The following is an entry in ClinVar:

NM_000520.6(HEXA):c.1438G>A (p.Val480Ile)

Gene: HEXA (hexosaminidase subunit alpha; minus strand). Cytogenetic location: 15q23.
Variant type: single nucleotide variant.
Coding change: c.1438G>A on transcript NM_000520.6 (MANE Select); coding-DNA position 1438, G replaced by A.
Protein change: p.Val480Ile; replaces valine 480 with isoleucine.
Molecular consequence: missense variant. On other transcripts: non-coding transcript variant (1).
Genome position (GRCh38, 1-based): chr15:72,345,534, C>T on the plus strand (G>A on the coding strand, the complement: HEXA is on the minus strand). VCF-style: chr15-72345534-C-T. GRCh37 (hg19) VCF-style: chr15-72637875-C-T.
Other names: c.1471G>A, p.Val491Ile (NM_001318825.2); short protein forms V480I, V491I.
Identifiers: ClinVar variation 1420802 (VCV001420802.7), dbSNP rs370638338, ClinGen allele CA7644675.

ClinVar aggregate classification (germline): Uncertain significance (1 of 4 stars; one submission).

Conditions:
Tay-Sachs disease (TSD). Also called: HEXA DEFICIENCY; GM2 gangliosidosis, type 1; Hexosaminidase alpha-subunit deficiency (variant B); Sphingolipidosis, Tay-Sachs; HEXA Disorders; Hexosaminidase A Deficiency. Identifiers: Orphanet 845, MedGen C0039373, MONDO:0010100, OMIM 272800.

Allele frequency attached by ClinVar (database versions not stated): ExAC 0.00001; gnomAD 0.00001; TOPMed 0.00001; ESP Exome Variant Server 0.00008.
gnomAD v4.1: 1 of 1,614,106 alleles (0.000062%); highest among the groups gnomAD compares: African/African-American, 0.0013%; no homozygotes.

Submission:

Labcorp Genetics (formerly Invitae), Labcorp
Classification: Uncertain significance for Tay-Sachs disease. Last evaluated: 2022-07-25. Review status: criteria provided, single submitter. Criteria: Invitae Variant Classification Sherloc (09022015). Collection method: clinical testing. Allele origin: germline.
Comment: In summary, the available evidence is currently insufficient to determine the role of this variant in disease. Therefore, it has been classified as a Variant of Uncertain Significance. Algorithms developed to predict the effect of missense changes on protein structure and function output the following: SIFT: "Tolerated"; PolyPhen-2: "Benign"; Align-GVGD: "Class C0". The isoleucine amino acid residue is found in multiple mammalian species, which suggests that this missense change does not adversely affect protein function. ClinVar contains an entry for this variant (Variation ID: 1420802). This variant has not been reported in the literature in individuals affected with HEXA-related conditions. This variant is present in population databases (rs370638338, gnomAD 0.008%). This sequence change replaces valine, which is neutral and non-polar, with isoleucine, which is neutral and non-polar, at codon 480 of the HEXA protein (p.Val480Ile).